The following is an entry in ClinVar:

ClinVar aggregate classification (germline): Pathogenic. Review status: criteria provided, multiple submitters, no conflicts (2 of 4 stars). 2 submissions from 2 submitters: Pathogenic (2). Last evaluated 2024-09-26.

Conditions:
Duchenne muscular dystrophy (DMD). Also called: Duchenne Muscular Dystrophy (DMD); MUSCULAR DYSTROPHY, PSEUDOHYPERTROPHIC PROGRESSIVE, DUCHENNE TYPE. Identifiers: Orphanet 98896, MedGen C0013264, MONDO:0010679, OMIM 310200.

Submissions (2):

Revvity Omics, Revvity
Classification: Pathogenic. Last evaluated: 2024-09-26. Review status: criteria provided, single submitter. Criteria: ACMG Guidelines, 2015. Collection method: clinical testing. Allele origin: germline.

Labcorp Genetics (formerly Invitae), Labcorp
Classification: Pathogenic for Duchenne muscular dystrophy. Last evaluated: 2019-08-23. Review status: criteria provided, single submitter. Criteria: Invitae Variant Classification Sherloc (09022015). Collection method: clinical testing. Allele origin: germline.
Comment: Loss-of-function variants in DMD are known to be pathogenic (PMID: 16770791, 25007885). For these reasons, this variant has been classified as Pathogenic. This variant has been observed in individuals affected with Duchenne or Becker muscular dystrophy (PMID: 19760747, 27593222). This variant is not present in population databases (ExAC no frequency). This sequence change creates a premature translational stop signal (p.Gln1534*) in the DMD gene. It is expected to result in an absent or disrupted protein product.

Literature cited by the submitters: PubMed 16770791 (cited by Labcorp Genetics (formerly Invitae), Labcorp); PubMed 25007885 (cited by Labcorp Genetics (formerly Invitae), Labcorp); PubMed 19760747 (cited by Labcorp Genetics (formerly Invitae), Labcorp); PubMed 27593222 (cited by Labcorp Genetics (formerly Invitae), Labcorp).

NM_004006.3(DMD):c.4600C>T (p.Gln1534Ter)

Gene: DMD (dystrophin; minus strand). Cytogenetic location: Xp21.1.
Variant type: single nucleotide variant.
Coding change: c.4600C>T on transcript NM_004006.3 (MANE Select); coding-DNA position 4600, C replaced by T.
Protein change: p.Gln1534Ter; replaces glutamine 1534 with a stop codon.
Molecular consequence: nonsense.
Genome position (GRCh38, 1-based): chrX:32,386,384, G>A on the plus strand (C>T on the coding strand, the complement: DMD is on the minus strand). VCF-style: chrX-32386384-G-A. GRCh37 (hg19) VCF-style: chrX-32404501-G-A.
Other names: c.4576C>T, p.Gln1526Ter (NM_000109.4); c.4588C>T, p.Gln1530Ter (NM_004009.3); c.4231C>T, p.Gln1411Ter (NM_004010.3); c.577C>T, p.Gln193Ter (NM_004011.4); c.568C>T, p.Gln190Ter (NM_004012.4); short protein forms Q1534*, Q1411*, Q1526*, Q1530*, Q190*, Q193*.
Identifiers: ClinVar variation 937223 (VCV000937223.12), dbSNP rs2097958423, ClinGen allele CA412662629.